The following is an entry in ClinVar:

NM_000719.7(CACNA1C):c.5681G>A (p.Gly1894Asp)

Genes: CACNA1C (calcium voltage-gated channel subunit alpha1 C; plus strand), CACNA1C-AS1 (CACNA1C antisense RNA 1; minus strand). Cytogenetic location: 12p13.33.
Variant type: single nucleotide variant.
Coding change: c.5681G>A on transcript NM_000719.7 (MANE Select); coding-DNA position 5681, G replaced by A.
Protein change: p.Gly1894Asp; replaces glycine 1894 with aspartic acid.
Molecular consequence: missense variant.
Genome position (GRCh38, 1-based): chr12:2,686,166, G>A. VCF-style: chr12-2686166-G-A. GRCh37 (hg19) VCF-style: chr12-2795332-G-A.
Other names: c.5681G>A (NM_000719.6); c.5825G>A, p.Gly1942Asp (NM_001129827.2); c.5804G>A, p.Gly1935Asp (NM_001129829.2); c.5786G>A, p.Gly1929Asp (NM_001129830.3, NM_001167624.3); c.5765G>A, p.Gly1922Asp (NM_001129831.2); c.5741G>A, p.Gly1914Asp (NM_001129832.2); c.5738G>A, p.Gly1913Asp (NM_001129833.2, NM_001129834.2, NM_001129835.2); c.5732G>A, p.Gly1911Asp (NM_001129836.2); and 7 more; short protein forms G1894D, G1913D, G1942D, G1891D, G1902D, G1911D, G1922D, G1977D.
Identifiers: ClinVar variation 1042675 (VCV001042675.10), dbSNP rs370682334, ClinGen allele CA6389950.

ClinVar aggregate classification (germline): Uncertain significance. Review status: criteria provided, multiple submitters, no conflicts (2 of 4 stars). 2 submissions from 2 submitters: Uncertain significance (2). Last evaluated 2024-09-16.

Conditions:
Long QT syndrome (LQTS). Identifiers: MedGen C0023976, MeSH D008133, MONDO:0002442. Disease mechanism: loss of function. Inheritance: Various modes of inheritance.

Allele frequency attached by ClinVar (database versions not stated): gnomAD exomes below 0.00001; ExAC 0.00001; ESP Exome Variant Server 0.00008.
gnomAD v4.1: 2 of 1,613,658 alleles (0.00012%); highest among the groups gnomAD compares: South Asian, 0.0011%; no homozygotes.

Submissions (2):

GeneDx
Classification: Uncertain significance. Last evaluated: 2024-09-16. Review status: criteria provided, single submitter. Criteria: GeneDx Variant Classification Process June 2021. Collection method: clinical testing. Allele origin: germline. Affected: yes.
Comment: Not observed at significant frequency in large population cohorts (gnomAD); In silico analysis supports that this missense variant has a deleterious effect on protein structure/function; Has not been previously published as pathogenic or benign to our knowledge

Labcorp Genetics (formerly Invitae), Labcorp
Classification: Uncertain significance for Long QT syndrome. Last evaluated: 2020-10-14. Review status: criteria provided, single submitter. Criteria: Invitae Variant Classification Sherloc (09022015). Collection method: clinical testing. Allele origin: germline.
Comment: In summary, the available evidence is currently insufficient to determine the role of this variant in disease. Therefore, it has been classified as a Variant of Uncertain Significance. Algorithms developed to predict the effect of missense changes on protein structure and function are either unavailable or do not agree on the potential impact of this missense change (SIFT: "Deleterious"; PolyPhen-2: "Possibly Damaging"; Align-GVGD: "Class C0"). This variant has not been reported in the literature in individuals with CACNA1C-related conditions. This variant is present in population databases (rs370682334, ExAC 0.01%). This sequence change replaces glycine with aspartic acid at codon 1894 of the CACNA1C protein (p.Gly1894Asp). The glycine residue is moderately conserved and there is a moderate physicochemical difference between glycine and aspartic acid.